The following is an entry in ClinVar:

ClinVar aggregate classification (germline): Uncertain significance (1 of 4 stars; one submission).

Submission:

GeneDx
Classification: Uncertain significance. Last evaluated: 2019-11-07. Review status: criteria provided, single submitter. Criteria: GeneDx Variant Classification Process June 2021. Collection method: clinical testing. Allele origin: germline. Affected: yes.
Comment: Not observed in large population cohorts (Lek et al., 2016); In silico analysis, which includes protein predictors and evolutionary conservation, supports that this variant does not alter protein structure/function; Has not been previously published as pathogenic or benign to our knowledge; Variants in candidate genes are classified as variants of uncertain significance in accordance with ACMG guidelines (Richards et al., 2015)

NM_000284.4(PDHA1):c.*1721C>G

Genes: MAP3K15 (mitogen-activated protein kinase kinase kinase 15; minus strand), PDHA1 (pyruvate dehydrogenase E1 subunit alpha 1; plus strand). Cytogenetic location: Xp22.12.
Variant type: single nucleotide variant.
Coding change: c.*1721C>G on transcript NM_000284.4 (MANE Select); 1721 bases downstream of the stop codon, C replaced by G.
Molecular consequence: 3 prime UTR variant. On other transcripts: missense variant (1).
Genome position (GRCh38, 1-based): chrX:19,361,374, C>G. VCF-style: chrX-19361374-C-G. GRCh37 (hg19) VCF-style: chrX-19379492-C-G.
Other names: c.3822G>C, p.Glu1274Asp (NM_001001671.4); c.*1721C>G (NM_001173454.2, NM_001173455.2, NM_001173456.2); short protein forms E1274D.
Identifiers: ClinVar variation 1309696 (VCV001309696.2), dbSNP rs2147195841, ClinGen allele CA412399003.